The following is an entry in ClinVar:

NM_001904.4(CTNNB1):c.1211C>T (p.Thr404Ile)

Genes: CTNNB1 (catenin beta 1; plus strand), LOC126806659 (BRD4-independent group 4 enhancer GRCh37_chr3:41274918-41276117; plus strand). Cytogenetic location: 3p22.1.
Variant type: single nucleotide variant.
Coding change: c.1211C>T on transcript NM_001904.4 (MANE Select); coding-DNA position 1211, C replaced by T.
Protein change: p.Thr404Ile; replaces threonine 404 with isoleucine.
Molecular consequence: missense variant.
Genome position (GRCh38, 1-based): chr3:41,233,554, C>T. VCF-style: chr3-41233554-C-T. GRCh37 (hg19) VCF-style: chr3-41275045-C-T.
Other names: c.1211C>T, p.Thr404Ile (NM_001098209.2, NM_001098210.2); c.1190C>T, p.Thr397Ile (NM_001330729.2); short protein forms T397I, T404I.
Identifiers: ClinVar variation 2087102 (VCV002087102.4), dbSNP rs753799399, ClinGen allele CA2331057.

ClinVar aggregate classification (germline): Uncertain significance (1 of 4 stars; one submission).

Allele frequency attached by ClinVar (database versions not stated): gnomAD exomes 0.00001; ExAC 0.00003.
gnomAD v4.1: 4 of 1,614,156 alleles (0.00025%); highest among the groups gnomAD compares: Admixed American, 0.005%; no homozygotes.

Submission:

Labcorp Genetics (formerly Invitae), Labcorp
Classification: Uncertain significance. Last evaluated: 2022-05-25. Review status: criteria provided, single submitter. Criteria: Invitae Variant Classification Sherloc (09022015). Collection method: clinical testing. Allele origin: germline.
Comment: This sequence change replaces threonine, which is neutral and polar, with isoleucine, which is neutral and non-polar, at codon 404 of the CTNNB1 protein (p.Thr404Ile). In summary, the available evidence is currently insufficient to determine the role of this variant in disease. Therefore, it has been classified as a Variant of Uncertain Significance. Algorithms developed to predict the effect of missense changes on protein structure and function (SIFT, PolyPhen-2, Align-GVGD) all suggest that this variant is likely to be tolerated. This variant has not been reported in the literature in individuals affected with CTNNB1-related conditions. This variant is present in population databases (rs753799399, gnomAD 0.006%).